The following is an entry in ClinVar:

NM_000059.4(BRCA2):c.9541A>G (p.Met3181Val)

Gene: BRCA2 (BRCA2 DNA repair associated; plus strand). Cytogenetic location: 13q13.1.
Variant type: single nucleotide variant.
Coding change: c.9541A>G on transcript NM_000059.4 (MANE Select); coding-DNA position 9541, A replaced by G.
Protein change: p.Met3181Val; replaces methionine 3181 with valine.
Molecular consequence: missense variant.
Genome position (GRCh38, 1-based): chr13:32,396,937, A>G. VCF-style: chr13-32396937-A-G. GRCh37 (hg19) VCF-style: chr13-32971074-A-G.
Other names: short protein forms M3181V.
Identifiers: ClinVar variation 1356623 (VCV001356623.9), dbSNP rs2137658967, ClinGen allele CA387763117.

ClinVar aggregate classification (germline): Uncertain significance. Review status: criteria provided, multiple submitters, no conflicts (2 of 4 stars). 2 submissions from 2 submitters: Uncertain significance (2). Last evaluated 2023-09-19.

Conditions:
Hereditary breast ovarian cancer syndrome. Also called: BRCA1- and BRCA2-Associated Hereditary Breast and Ovarian Cancer; Hereditary breast and ovarian cancer; Hereditary breast and ovarian cancer syndrome; Hereditary breast and ovarian cancer syndrome (HBOC); Breast and ovarian cancer; Hereditary breast and/or ovarian cancer syndrome. Identifiers: Orphanet 145, MedGen C0677776, MeSH D061325, MONDO:0003582. Disease mechanism: loss of function.

Submissions (2):

Labcorp Genetics (formerly Invitae), Labcorp
Classification: Uncertain significance for Hereditary breast ovarian cancer syndrome. Last evaluated: 2023-09-19. Review status: criteria provided, single submitter. Criteria: Invitae Variant Classification Sherloc (09022015). Collection method: clinical testing. Allele origin: germline.
Comment: This sequence change replaces methionine, which is neutral and non-polar, with valine, which is neutral and non-polar, at codon 3181 of the BRCA2 protein (p.Met3181Val). ClinVar contains an entry for this variant (Variation ID: 1356623). This variant has not been reported in the literature in individuals affected with BRCA2-related conditions. This variant is not present in population databases (gnomAD no frequency). Advanced modeling of protein sequence and biophysical properties (such as structural, functional, and spatial information, amino acid conservation, physicochemical variation, residue mobility, and thermodynamic stability) performed at Invitae indicates that this missense variant is not expected to disrupt BRCA2 protein function. In summary, the available evidence is currently insufficient to determine the role of this variant in disease. Therefore, it has been classified as a Variant of Uncertain Significance.

GeneDx
Classification: Uncertain significance. Last evaluated: 2022-07-07. Review status: criteria provided, single submitter. Criteria: GeneDx Variant Classification Process June 2021. Collection method: clinical testing. Allele origin: germline. Affected: yes.
Comment: Not observed at significant frequency in large population cohorts (gnomAD); In silico analysis supports that this missense variant does not alter protein structure/function; Has not been previously published as pathogenic or benign to our knowledge; Also known as 9769A>G; This variant is associated with the following publications: (PMID: 12228710)